The following is an entry in ClinVar:

ClinVar aggregate classification (germline): Uncertain significance (1 of 4 stars; one submission).

Conditions:
Neuropathy, hereditary sensory and autonomic, type 2A (HSAN2A). Also called: ACROOSTEOLYSIS, GIACCAI TYPE; ACROOSTEOLYSIS, NEUROGENIC; MORVAN DISEASE; NEUROPATHY, CONGENITAL SENSORY; NEUROPATHY, HEREDITARY SENSORY RADICULAR, AUTOSOMAL RECESSIVE; NEUROPATHY, HEREDITARY SENSORY, TYPE IIA. Identifiers: Orphanet 970, MedGen C2752089, MONDO:0024309, OMIM 201300.
Generalized epilepsy with febrile seizures plus, type 7 (GEFSP7). Also called: GEFS+, TYPE 7. Identifiers: Orphanet 36387, MedGen C2751778, MONDO:0013470, OMIM 613863.

Allele frequency attached by ClinVar (database versions not stated): gnomAD exomes below 0.00001.
gnomAD v4.1: 1 of 1,594,452 alleles (0.000063%); highest among the groups gnomAD compares: Non-Finnish European, 0.000085%; no homozygotes.

Submission:

Labcorp Genetics (formerly Invitae), Labcorp
Classification: Uncertain significance for Neuropathy, hereditary sensory and autonomic, type 2A; Generalized epilepsy with febrile seizures plus, type 7. Last evaluated: 2023-08-05. Review status: criteria provided, single submitter. Criteria: Invitae Variant Classification Sherloc (09022015). Collection method: clinical testing. Allele origin: germline.
Comment: This sequence change replaces phenylalanine, which is neutral and non-polar, with serine, which is neutral and polar, at codon 1183 of the SCN9A protein (p.Phe1183Ser). This variant is not present in population databases (gnomAD no frequency). This variant has not been reported in the literature in individuals affected with SCN9A-related conditions. Advanced modeling of protein sequence and biophysical properties (such as structural, functional, and spatial information, amino acid conservation, physicochemical variation, residue mobility, and thermodynamic stability) has been performed at Invitae for this missense variant, however the output from this modeling did not meet the statistical confidence thresholds required to predict the impact of this variant on SCN9A protein function. In summary, the available evidence is currently insufficient to determine the role of this variant in disease. Therefore, it has been classified as a Variant of Uncertain Significance.

NM_001365536.1(SCN9A):c.3581T>C (p.Phe1194Ser)

Genes: SCN9A (sodium voltage-gated channel alpha subunit 9; minus strand), SCN1A-AS1 (SCN1A and SCN9A antisense RNA 1; plus strand). Cytogenetic location: 2q24.3.
Variant type: single nucleotide variant.
Coding change: c.3581T>C on transcript NM_001365536.1 (MANE Select); coding-DNA position 3581, T replaced by C.
Protein change: p.Phe1194Ser; replaces phenylalanine 1194 with serine.
Molecular consequence: missense variant.
Genome position (GRCh38, 1-based): chr2:166,242,548, A>G on the plus strand (T>C on the coding strand, the complement: SCN9A is on the minus strand). VCF-style: chr2-166242548-A-G. GRCh37 (hg19) VCF-style: chr2-167099058-A-G.
Other names: c.3548T>C, p.Phe1183Ser (NM_002977.4); short protein forms F1194S, F1183S.
Identifiers: ClinVar variation 2950417 (VCV002950417.3), dbSNP rs2467868338, ClinGen allele CA349070191.
Genomic context (GRCh38, chr2:166,242,548, plus strand): 5'-GTCAGATCATTTACCAGGGCACCACTGCTGAGCAGGATCATGAGGACAATGAAGCTTTCA[A>G]ACCAACTGTGTTCAACAATCTTGTAGCAGGTTTTCCTGATGTTCCACCAGATTTTTCCTT-3'
Protein context (NP_001352465.1, residues 1184-1204): TCYKIVEHSW[Phe1194Ser]ESFIVLMILL